The following is an entry in ClinVar:

NM_018699.4(PRDM5):c.350C>T (p.Thr117Met)

Gene: PRDM5 (PR/SET domain 5; minus strand). Cytogenetic location: 4q27.
Variant type: single nucleotide variant.
Coding change: c.350C>T on transcript NM_018699.4 (MANE Select); coding-DNA position 350, C replaced by T.
Protein change: p.Thr117Met; replaces threonine 117 with methionine.
Molecular consequence: missense variant.
Genome position (GRCh38, 1-based): chr4:120,821,296, G>A on the plus strand (C>T on the coding strand, the complement: PRDM5 is on the minus strand). VCF-style: chr4-120821296-G-A. GRCh37 (hg19) VCF-style: chr4-121742451-G-A.
Other names: p.Thr117Met; c.350C>T, p.Thr117Met (NM_001300823.2, NM_001300824.2, NM_001379104.1 and 1 more transcripts); c.350C>T (NM_018699.3); short protein forms T117M.
Identifiers: ClinVar variation 1732146 (VCV001732146.4), dbSNP rs531143989, ClinGen allele CA3061412.

ClinVar aggregate classification (germline): Conflicting classifications of pathogenicity. Review status: criteria provided, conflicting classifications (1 of 4 stars). 3 submissions from 3 submitters: Uncertain significance (1); Likely benign (2). Last evaluated 2025-11-19.

Conditions:
Cardiovascular phenotype. Identifiers: MedGen CN230736.

Allele frequency attached by ClinVar (database versions not stated): gnomAD 0.00004; 1000 Genomes Project 0.00020; gnomAD exomes 0.00004; TOPMed 0.00004; ExAC 0.00007; 1000 Genomes Project 30x 0.00016.
gnomAD v4.1: 69 of 1,613,978 alleles (0.0043%); highest among the groups gnomAD compares: South Asian, 0.059%; 1 homozygote.

Submissions (3):

Mayo Clinic Laboratories, Mayo Clinic
Classification: Likely benign. Last evaluated: 2025-11-19. Review status: criteria provided, single submitter. Criteria: ACMG Guidelines, 2015. Collection method: clinical testing. Allele origin: germline. Observed: 1 variant allele.
Comment: BS1, BS2_supporting

Women's Health and Genetics/Laboratory Corporation of America, LabCorp
Classification: Uncertain significance. Last evaluated: 2025-09-17. Review status: criteria provided, single submitter. Criteria: LabCorp Variant Classification Summary - May 2015. Collection method: clinical testing. Allele origin: germline.
Comment: Variant summary: PRDM5 c.350C>T (p.Thr117Met) results in a non-conservative amino acid change in the encoded protein sequence. Algorithms developed to predict the effect of missense changes on protein structure and function all suggest that this variant is likely to be disruptive. The variant allele was found at a frequency of 6.4e-05 in 251242 control chromosomes. This frequency is not significantly higher than estimated for disease-causing variants in PRDM5, allowing no conclusion about variant significance. To our knowledge, no occurrence of c.350C>T in individuals affected with PRDM5-related conditions and no experimental evidence demonstrating its impact on protein function have been reported. ClinVar contains an entry for this variant (Variation ID: 1732146). Based on the evidence outlined above, the variant was classified as uncertain significance.

Ambry Genetics
Classification: Likely benign for Cardiovascular phenotype. Last evaluated: 2022-04-19. Review status: criteria provided, single submitter. Criteria: Ambry Variant Classification Scheme 2023. Collection method: clinical testing. Allele origin: germline.